The following is an entry in ClinVar:

NM_001987.5(ETV6):c.704T>C (p.Leu235Pro)

Gene: ETV6 (ETS variant transcription factor 6; plus strand). Cytogenetic location: 12p13.2.
Variant type: single nucleotide variant.
Coding change: c.704T>C on transcript NM_001987.5 (MANE Select); coding-DNA position 704, T replaced by C.
Protein change: p.Leu235Pro; replaces leucine 235 with proline.
Molecular consequence: missense variant.
Genome position (GRCh38, 1-based): chr12:11,869,664, T>C. VCF-style: chr12-11869664-T-C. GRCh37 (hg19) VCF-style: chr12-12022598-T-C.
Other names: c.701T>C, p.Leu234Pro (NM_001413913.1); c.677T>C, p.Leu226Pro (NM_001413914.1); c.440T>C, p.Leu147Pro (NM_001413915.1); c.704T>C, p.Leu235Pro (NM_001413916.1, NM_001413917.1); short protein forms L234P, L226P, L147P, L235P.
Identifiers: ClinVar variation 3846529 (VCV003846529.1).

ClinVar aggregate classification (germline): Uncertain significance (1 of 4 stars; one submission).

Conditions:
Inborn genetic diseases. Identifiers: MedGen C0950123, MeSH D030342.

Submission:

Ambry Genetics
Classification: Uncertain significance for Inborn genetic diseases. Last evaluated: 2025-02-04. Review status: criteria provided, single submitter. Criteria: Ambry Variant Classification Scheme 2023. Collection method: clinical testing. Allele origin: germline.
Comment: The p.L235P variant (also known as c.704T>C), located in coding exon 5 of the ETV6 gene, results from a T to C substitution at nucleotide position 704. The leucine at codon 235 is replaced by proline, an amino acid with similar properties. This amino acid position is conserved. In addition, the in silico prediction for this alteration is inconclusive. Based on the available evidence, the clinical significance of this variant remains unclear.